The following is an entry in ClinVar:

NM_024580.6(EFL1):c.3049G>A (p.Glu1017Lys)

Gene: EFL1 (elongation factor like GTPase 1; minus strand). Cytogenetic location: 15q25.2.
Variant type: single nucleotide variant.
Coding change: c.3049G>A on transcript NM_024580.6 (MANE Select); coding-DNA position 3049, G replaced by A.
Protein change: p.Glu1017Lys; replaces glutamic acid 1017 with lysine.
Molecular consequence: missense variant. On other transcripts: non-coding transcript variant (1).
Genome position (GRCh38, 1-based): chr15:82,138,783, C>T on the plus strand (G>A on the coding strand, the complement: EFL1 is on the minus strand). VCF-style: chr15-82138783-C-T. GRCh37 (hg19) VCF-style: chr15-82431124-C-T.
Other names: c.2896G>A, p.Glu966Lys (NM_001040610.3); c.2260G>A, p.Glu754Lys (NM_001322844.2); c.3049G>A, p.Glu1017Lys (NM_001322845.2); short protein forms E754K, E966K, E1017K.
Identifiers: ClinVar variation 5000664 (VCV005000664.1).

ClinVar aggregate classification (germline): Uncertain significance (1 of 4 stars; one submission).

Conditions:
EFL1-related disorder. Also called: EFL1-related condition.

Submission:

PreventionGenetics, part of Exact Sciences
Classification: Uncertain significance for EFL1-related condition. Last evaluated: 2025-11-18. Review status: criteria provided, single submitter. Criteria: ACMG Guidelines, 2015. Collection method: clinical testing. Allele origin: germline.
Comment: The EFL1 c.3049G>A variant is predicted to result in the amino acid substitution p.Glu1017Lys. To our knowledge, this variant has not been reported in the literature or in a large population database (gnomAD), indicating this variant is rare. At this time, the clinical significance of this variant is uncertain due to the absence of conclusive functional and genetic evidence.